The following is an entry in ClinVar:

ClinVar aggregate classification (germline): Conflicting classifications of pathogenicity. Review status: criteria provided, conflicting classifications (1 of 4 stars). 12 submissions from 12 submitters: Uncertain significance (2); Benign (4); Likely benign (3). 3 of the submissions do not count toward it. Last evaluated 2026-01-06.

Conditions:
Autosomal dominant polycystic kidney disease. Identifiers: Orphanet 730, MedGen C0085413, MONDO:0004691.
Polycystic kidney disease 2 (PKD2). Also called: Polycystic Kidney Disease 2, Autosomal Dominant; POLYCYSTIC KIDNEY DISEASE, ADULT, TYPE II; POLYCYSTIC KIDNEY DISEASE 2 WITH OR WITHOUT POLYCYSTIC LIVER DISEASE. Identifiers: MedGen C2751306, MONDO:0013131, OMIM 613095.
Polycystic kidney disease. Also called: Kidney, Polycystic; Polycystic kidney dysplasia. Identifiers: MedGen C0022680, MeSH D007690, MONDO:0020642, HP:0000113.

Allele frequency attached by ClinVar (database versions not stated): ExAC 0.00083; gnomAD exomes 0.00085; 1000 Genomes Project 0.00260; gnomAD 0.00261 and 0.00280; ESP Exome Variant Server 0.00284; TOPMed 0.00297; 1000 Genomes Project 30x 0.00312.
gnomAD v4.1: 858 of 1,614,094 alleles (0.053%); highest among the groups gnomAD compares: African/African-American, 0.73%; 5 homozygotes.

Submissions (12):

Labcorp Genetics (formerly Invitae), Labcorp
Classification: Benign for Autosomal dominant polycystic kidney disease. Last evaluated: 2026-01-06. Review status: criteria provided, single submitter. Criteria: Invitae Variant Classification Sherloc (09022015). Collection method: clinical testing. Allele origin: germline.

Women's Health and Genetics/Laboratory Corporation of America, LabCorp
Classification: Likely benign. Last evaluated: 2025-10-13. Review status: criteria provided, single submitter. Criteria: LabCorp Variant Classification Summary - May 2015. Collection method: clinical testing. Allele origin: germline.

Mayo Clinic Laboratories, Mayo Clinic
Classification: Likely benign. Last evaluated: 2023-11-16. Review status: criteria provided, single submitter. Criteria: ACMG Guidelines, 2015. Collection method: clinical testing. Allele origin: germline. Observed: 2 variant alleles.
Comment: BS1, BP4

CeGaT Center for Human Genetics Tuebingen
Classification: Benign. Last evaluated: 2023-04-01. Review status: criteria provided, single submitter. Criteria: CeGaT Center For Human Genetics Tuebingen Variant Classification Criteria Version 2. Collection method: clinical testing. Allele origin: germline. Affected: yes. Observed: 1 variant allele.
Comment: PKD2: BS1, BS2

Johns Hopkins Genomics, Johns Hopkins University
Classification: Likely benign for Polycystic kidney disease 2. Last evaluated: 2022-10-21. Review status: criteria provided, single submitter. Criteria: ACMG Guidelines, 2015. Collection method: clinical testing. Allele origin: germline.

Athena Diagnostics
Classification: Benign. Last evaluated: 2020-12-31. Review status: criteria provided, single submitter. Criteria: Athena Diagnostics criteria. Collection method: clinical testing. Allele origin: unknown.

ARUP Laboratories, Molecular Genetics and Genomics, ARUP Laboratories
Classification: Uncertain significance. Last evaluated: 2017-09-12. Review status: criteria provided, single submitter. Criteria: ARUP Molecular Germline Variant Investigation Process. Collection method: clinical testing. Allele origin: germline.

Illumina Laboratory Services, Illumina
Classification: Uncertain significance for Polycystic kidney disease 2. Last evaluated: 2017-04-27. Review status: criteria provided, single submitter. Criteria: ICSL Variant Classification Criteria 13 December 2019. Collection method: clinical testing. Allele origin: germline.
Comment: This variant was observed as part of a predisposition screen in an ostensibly healthy population. A literature search was performed for the gene, cDNA change, and amino acid change (where applicable). Publications were found based on this search. However, the evidence from the literature, in combination with allele frequency data from public databases where available, was not sufficient to rule this variant in or out of causing disease. Therefore, this variant is classified as a variant of unknown significance.

Eurofins Ntd Llc (ga)
Classification: Benign. Last evaluated: 2016-07-11. Review status: criteria provided, single submitter. Criteria: EGL Classification Definitions 2015. Collection method: clinical testing. Allele origin: germline. Observed: 1 variant allele, 1 heterozygote.

Clinical Genetics DNA and cytogenetics Diagnostics Lab, Erasmus MC, Erasmus Medical Center
Classification: Uncertain significance. Review status: no assertion criteria provided. Collection method: clinical testing. Allele origin: germline. Affected: yes. Study: VKGL Data-share Consensus. Not counted in ClinVar's aggregate classification.

Department of Pathology and Laboratory Medicine, Sinai Health System
Classification: Uncertain significance for Polycystic Kidney disease. Review status: no assertion criteria provided. Collection method: clinical testing. Allele origin: unknown. Affected: yes. Study: The Canadian Open Genetics Repository (COGR). Not counted in ClinVar's aggregate classification.
Comment: The PKD2 p.Ser804Asn variant was identified in 1 of 404 proband chromosomes (frequency: 0.0025) from individuals or families with Autosomal Dominant PKD (Rossetti 2007). The variant was also identified in dbSNP (ID: rs145343957) as â€šÃ„ÃºWith other alleleâ€šÃ„Ã¹, in ClinVar (as benign by EGL Genetic Diagnostics and Invitae, and as uncertain significance by ARUP Laboratories), LOVD 3.0 (1x as "indeterminate"), and ADPKD Mutation Database. The variant was not identified in PKD1-LOVD. The variant was identified in control databases in 277 of 276842 chromosomes (1 homozygous) at a frequency of 0.001001 increasing the likelihood this could be a low frequency benign variant (Genome Aggregation Database Feb 27, 2017). The variant was observed in the following populations: African in 179 of 24034 chromosomes (freq: 0.007), Other in 17 of 6460 chromosomes (freq: 0.003), Latino in 65 of 34394 chromosomes (freq: 0.002), European (Non-Finnish) in 16 of 126422 chromosomes (freq: 0.0001); it was not observed in the Ashkenazi Jewish, East Asian, European (Finnish), and South Asian populations. The mutation is located within the consensus kinase recognition sequence; a functional study showed the p.Ser804Asn variant abolished Ser801 phosphorylation, indicating its likely physiological significance, and this study therefore classified the variant as pathogenic (Streets 2010). The p.Ser804 residue is conserved in mammals and computational analyses (PolyPhen-2, SIFT, AlignGVGD, BLOSUM, MutationTaster) provide inconsistent predictions regarding the impact to the protein; this information is not very predictive of pathogenicity. The variant occurs outside of the splicing consensus sequence and in silico or computational prediction software programs (SpliceSiteFinder, MaxEntScan, NNSPLICE, GeneSplicer) do not predict a difference in splicing. In summary, based on the above information the clinical significance of this variant cannot be determined with certainty at this time. This variant is classified as a variant of uncertain significance.

Laboratory of Diagnostic Genome Analysis, Leiden University Medical Center (LUMC)
Classification: Uncertain significance. Review status: no assertion criteria provided. Collection method: clinical testing. Allele origin: germline. Affected: yes. Study: VKGL Data-share Consensus. Not counted in ClinVar's aggregate classification.

Literature cited by the submitters: PubMed 17582161 (cited by 4 submitters); PubMed 20881056 (cited by 4 submitters); PubMed 27499327 (cited by 3 submitters); PubMed 35314260 (cited by Mayo Clinic Laboratories, Mayo Clinic); PubMed 22114106 (cited by Johns Hopkins Genomics, Johns Hopkins University); PubMed 22797899 (cited by Johns Hopkins Genomics, Johns Hopkins University); PubMed 30369598 (cited by Johns Hopkins Genomics, Johns Hopkins University).

NM_000297.4(PKD2):c.2411G>A (p.Ser804Asn)

Gene: PKD2 (polycystin 2, transient receptor potential cation channel; plus strand). Cytogenetic location: 4q22.1.
Variant type: single nucleotide variant.
Coding change: c.2411G>A on transcript NM_000297.4 (MANE Select); coding-DNA position 2411, G replaced by A.
Protein change: p.Ser804Asn; replaces serine 804 with asparagine.
Molecular consequence: missense variant. On other transcripts: non-coding transcript variant (1).
Genome position (GRCh38, 1-based): chr4:88,067,950, G>A. VCF-style: chr4-88067950-G-A. GRCh37 (hg19) VCF-style: chr4-88989102-G-A.
Other names: short protein forms S804N.
Identifiers: ClinVar variation 289403 (VCV000289403.57), dbSNP rs145343957, ClinGen allele CA3004246.